The following is an entry in ClinVar:

NM_001013838.3(CARMIL2):c.556C>T (p.His186Tyr)

Gene: CARMIL2 (capping protein regulator and myosin 1 linker 2; plus strand). Cytogenetic location: 16q22.1.
Variant type: single nucleotide variant.
Coding change: c.556C>T on transcript NM_001013838.3 (MANE Select); coding-DNA position 556, C replaced by T.
Protein change: p.His186Tyr; replaces histidine 186 with tyrosine.
Molecular consequence: missense variant.
Genome position (GRCh38, 1-based): chr16:67,646,918, C>T. VCF-style: chr16-67646918-C-T. GRCh37 (hg19) VCF-style: chr16-67680821-C-T.
Other names: c.556C>T, p.His186Tyr (NM_001317026.3); short protein forms H186Y.
Identifiers: ClinVar variation 1717067 (VCV001717067.5), dbSNP rs1398810602, ClinGen allele CA396331719.

ClinVar aggregate classification (germline): Uncertain significance (1 of 4 stars; one submission).

Allele frequency attached by ClinVar (database versions not stated): gnomAD 0.00001; TOPMed 0.00001; gnomAD exomes 0.00002.
gnomAD v4.1: 15 of 1,613,538 alleles (0.00093%); highest among the groups gnomAD compares: East Asian, 0.025%; no homozygotes.

Submission:

Labcorp Genetics (formerly Invitae), Labcorp
Classification: Uncertain significance. Last evaluated: 2023-08-17. Review status: criteria provided, single submitter. Criteria: Invitae Variant Classification Sherloc (09022015). Collection method: clinical testing. Allele origin: germline.
Comment: In summary, the available evidence is currently insufficient to determine the role of this variant in disease. Therefore, it has been classified as a Variant of Uncertain Significance. Advanced modeling of protein sequence and biophysical properties (such as structural, functional, and spatial information, amino acid conservation, physicochemical variation, residue mobility, and thermodynamic stability) performed at Invitae indicates that this missense variant is not expected to disrupt CARMIL2 protein function. ClinVar contains an entry for this variant (Variation ID: 1717067). This variant has not been reported in the literature in individuals affected with CARMIL2-related conditions. This variant is present in population databases (no rsID available, gnomAD 0.01%). This sequence change replaces histidine, which is basic and polar, with tyrosine, which is neutral and polar, at codon 186 of the CARMIL2 protein (p.His186Tyr).